The following is an entry in ClinVar:

NM_198576.4(AGRN):c.3328T>A (p.Leu1110Met)

Gene: AGRN (agrin; plus strand). Cytogenetic location: 1p36.33.
Variant type: single nucleotide variant.
Coding change: c.3328T>A on transcript NM_198576.4 (MANE Select); coding-DNA position 3328, T replaced by A.
Protein change: p.Leu1110Met; replaces leucine 1110 with methionine.
Molecular consequence: missense variant.
Genome position (GRCh38, 1-based): chr1:1,046,897, T>A. VCF-style: chr1-1046897-T-A. GRCh37 (hg19) VCF-style: chr1-982277-T-A.
Other names: c.3328T>A, p.Leu1110Met (NM_001305275.2); c.3013T>A, p.Leu1005Met (NM_001364727.2); short protein forms L1110M, L1005M.
Identifiers: ClinVar variation 1493629 (VCV001493629.8), dbSNP rs1297179716, ClinGen allele CA337848407.

ClinVar aggregate classification (germline): Uncertain significance (1 of 4 stars; one submission).

Conditions:
Congenital myasthenic syndrome 8. Also called: MYASTHENIC SYNDROME, CONGENITAL, DUE TO AGRIN DEFICIENCY; Myasthenic syndrome, congenital, 8, with pre- and postsynaptic defects. Identifiers: Orphanet 590, MedGen C3808739, MONDO:0014052, OMIM 615120.

Submission:

Labcorp Genetics (formerly Invitae), Labcorp
Classification: Uncertain significance for Congenital myasthenic syndrome 8. Last evaluated: 2022-09-07. Review status: criteria provided, single submitter. Criteria: Invitae Variant Classification Sherloc (09022015). Collection method: clinical testing. Allele origin: germline.
Comment: In summary, the available evidence is currently insufficient to determine the role of this variant in disease. Therefore, it has been classified as a Variant of Uncertain Significance. Algorithms developed to predict the effect of missense changes on protein structure and function output the following: SIFT: "Deleterious"; PolyPhen-2: "Benign"; Align-GVGD: "Class C0". The methionine amino acid residue is found in multiple mammalian species, which suggests that this missense change does not adversely affect protein function. ClinVar contains an entry for this variant (Variation ID: 1493629). This variant has not been reported in the literature in individuals affected with AGRN-related conditions. This variant is not present in population databases (gnomAD no frequency). This sequence change replaces leucine, which is neutral and non-polar, with methionine, which is neutral and non-polar, at codon 1110 of the AGRN protein (p.Leu1110Met).